The following is an entry in ClinVar:

ClinVar aggregate classification (germline): Uncertain significance. Review status: criteria provided, multiple submitters, no conflicts (2 of 4 stars). 2 submissions from 2 submitters: Uncertain significance (2). Last evaluated 2020-06-16.

Conditions:
Intellectual disability. Also called: intellectual disabilities; Intellectual functioning disability; Intellectual developmental disorder. Identifiers: MedGen C3714756, MeSH D008607, MONDO:0001071, HP:0001249.

Allele frequency attached by ClinVar (database versions not stated): TOPMed 0.00001; gnomAD exomes 0.00001.
gnomAD v4.1: 6 of 1,211,281 alleles (0.0005%); highest among the groups gnomAD compares: African/African-American, 0.0017%; no homozygotes.

Submissions (2):

GeneDx
Classification: Uncertain significance. Last evaluated: 2020-06-16. Review status: criteria provided, single submitter. Criteria: GeneDx Variant Classification Process June 2021. Collection method: clinical testing. Allele origin: germline. Affected: yes.
Comment: Not observed in large population cohorts (Lek et al., 2016); In silico analysis supports that this missense variant has a deleterious effect on protein structure/function; Has not been previously published as pathogenic or benign to our knowledge

Cambridge Genomics Laboratory, East Genomic Laboratory Hub, NHS Genomic Medicine Service
Classification: Uncertain significance for Intellectual disability. Last evaluated: 2020-05-14. Review status: criteria provided, single submitter. Criteria: ACGS Best Practice Guidelines for Variant Classification in Rare Disease 2020. Collection method: clinical testing. Allele origin: germline. Affected: yes. Observed: 1 variant allele.

NM_001039591.3(USP9X):c.6709C>T (p.Arg2237Cys)

Gene: USP9X (ubiquitin specific peptidase 9 X-linked; plus strand). Cytogenetic location: Xp11.4.
Variant type: single nucleotide variant.
Coding change: c.6709C>T on transcript NM_001039591.3 (MANE Select); coding-DNA position 6709, C replaced by T.
Protein change: p.Arg2237Cys; replaces arginine 2237 with cysteine.
Molecular consequence: missense variant.
Genome position (GRCh38, 1-based): chrX:41,223,360, C>T. VCF-style: chrX-41223360-C-T. GRCh37 (hg19) VCF-style: chrX-41082613-C-T.
Other names: c.6709C>T, p.Arg2237Cys (NM_001039590.3); short protein forms R2237C.
Identifiers: ClinVar variation 1304055 (VCV001304055.3), dbSNP rs2063281985, ClinGen allele CA412804810.